The following is an entry in ClinVar:

NM_007294.4(BRCA1):c.4471C>G (p.Pro1491Ala)

Gene: BRCA1 (BRCA1 DNA repair associated; minus strand). Cytogenetic location: 17q21.31.
Variant type: single nucleotide variant.
Coding change: c.4471C>G on transcript NM_007294.4 (MANE Select); coding-DNA position 4471, C replaced by G.
Protein change: p.Pro1491Ala; replaces proline 1491 with alanine.
Molecular consequence: missense variant. On other transcripts: non-coding transcript variant (1).
Genome position (GRCh38, 1-based): chr17:43,076,501, G>C on the plus strand (C>G on the coding strand, the complement: BRCA1 is on the minus strand). VCF-style: chr17-43076501-G-C. GRCh37 (hg19) VCF-style: chr17-41228518-G-C.
Other names: c.1156C>G, p.Pro386Ala (NM_001408404.1, NM_001408473.1, NM_001408392.1 and 8 more transcripts); c.1153C>G, p.Pro385Ala (NM_001408406.1, NM_001408407.1, NM_001408408.1); c.1150C>G, p.Pro384Ala (NM_001408409.1); c.1087C>G, p.Pro363Ala (NM_001408410.1); c.1084C>G, p.Pro362Ala (NM_001408411.1); c.1081C>G, p.Pro361Ala (NM_001408412.1, NM_001408413.1, NM_001408414.1 and 2 more transcripts); c.1045C>G, p.Pro349Ala (NM_001408418.1, NM_001408419.1, NM_001408420.1); c.1042C>G, p.Pro348Ala (NM_001408421.1, NM_001408422.1, NM_001408423.1 and 1 more transcripts); and 68 more; short protein forms P1491A, P1444A, P1512A, P387A, P1195A, P1363A, P1401A, P1421A.
Identifiers: ClinVar variation 55207 (VCV000055207.12), dbSNP rs111034213, ClinGen allele CA002866.

ClinVar aggregate classification (germline): Uncertain significance. Review status: criteria provided, multiple submitters, no conflicts (2 of 4 stars). 3 submissions from 3 submitters: Uncertain significance (2). 1 of the submissions does not count toward it. Last evaluated 2024-03-21.

Conditions:
Hereditary breast ovarian cancer syndrome. Also called: Breast and ovarian cancer; Hereditary breast and ovarian cancer syndrome (HBOC); Hereditary breast and ovarian cancer syndrome; Hereditary breast and/or ovarian cancer syndrome; Hereditary breast and ovarian cancer; BRCA1- and BRCA2-Associated Hereditary Breast and Ovarian Cancer. Identifiers: Orphanet 145, MedGen C0677776, MeSH D061325, MONDO:0003582. Disease mechanism: loss of function.
Familial cancer of breast. Also called: BREAST CANCER, FAMILIAL; Hereditary breast cancer; hereditary breast carcinoma. Identifiers: Orphanet 227535, MedGen C0346153, MONDO:0016419, OMIM 114480. Disease mechanism: loss of function.
Hereditary cancer-predisposing syndrome. Also called: Neoplastic Syndromes, Hereditary; Hereditary neoplastic syndrome; Tumor predisposition; Hereditary Cancer Syndrome. Identifiers: Orphanet 140162, MedGen C0027672, MeSH D009386, MONDO:0015356.

Submissions (3):

Ambry Genetics
Classification: Uncertain significance for Hereditary cancer-predisposing syndrome. Last evaluated: 2024-03-21. Review status: criteria provided, single submitter. Criteria: Ambry Variant Classification Scheme 2023. Collection method: clinical testing. Allele origin: germline.
Comment: The p.P1491A variant (also known as c.4471C>G), located in coding exon 12 of the BRCA1 gene, results from a C to G substitution at nucleotide position 4471. The proline at codon 1491 is replaced by alanine, an amino acid with highly similar properties. This amino acid position is not well conserved in available vertebrate species. In addition, this alteration is predicted to be tolerated by in silico analysis. Based on the available evidence, the clinical significance of this alteration remains unclear.

Labcorp Genetics (formerly Invitae), Labcorp
Classification: Uncertain significance for Hereditary breast ovarian cancer syndrome. Last evaluated: 2022-02-20. Review status: criteria provided, single submitter. Criteria: Invitae Variant Classification Sherloc (09022015). Collection method: clinical testing. Allele origin: germline.
Comment: This sequence change replaces proline, which is neutral and non-polar, with alanine, which is neutral and non-polar, at codon 1491 of the BRCA1 protein (p.Pro1491Ala). In summary, the available evidence is currently insufficient to determine the role of this variant in disease. Therefore, it has been classified as a Variant of Uncertain Significance. Advanced modeling of protein sequence and biophysical properties (such as structural, functional, and spatial information, amino acid conservation, physicochemical variation, residue mobility, and thermodynamic stability) performed at Invitae indicates that this missense variant is not expected to disrupt BRCA1 protein function. ClinVar contains an entry for this variant (Variation ID: 55207). This variant is also known as c.4590C>G. This missense change has been observed in individual(s) with male breast cancer (PMID: 16764716). This variant is not present in population databases (gnomAD no frequency).

ClinVar Staff, National Center for Biotechnology Information (NCBI)
No classification provided. Condition: Familial cancer of breast. Review status: no classification provided. Collection method: literature only. Allele origin: germline. Affected: yes. Not counted in ClinVar's aggregate classification.

Literature cited by the submitters: PubMed 16764716 (cited by 3 submitters).